The following is an entry in ClinVar:

NM_001286577.2(C2CD3):c.707G>A (p.Arg236Lys)

Gene: C2CD3 (C2 domain containing 3 centriole elongation regulator; minus strand). Cytogenetic location: 11q13.4.
Variant type: single nucleotide variant.
Coding change: c.707G>A on transcript NM_001286577.2 (MANE Select); coding-DNA position 707, G replaced by A.
Protein change: p.Arg236Lys; replaces arginine 236 with lysine.
Molecular consequence: missense variant.
Genome position (GRCh38, 1-based): chr11:74,139,605, C>T on the plus strand (G>A on the coding strand, the complement: C2CD3 is on the minus strand). VCF-style: chr11-74139605-C-T. GRCh37 (hg19) VCF-style: chr11-73850650-C-T.
Other names: c.707G>A, p.Arg236Lys (NM_015531.6); short protein forms R236K.
Identifiers: ClinVar variation 1996957 (VCV001996957.4), dbSNP rs1957978556, ClinGen allele CA381817189.
Genomic context (GRCh38, chr11:74,139,605, plus strand): 5'-GAAATCACAACTACAGTGCAGTTAACTGACAGATTGACTGGTATTAGGTATGGTAATTAC[C>T]TCGGAGTGGTTGATCTACTGCTGTTGGCTGCTAACTCTTTTCCATCAATTTTGATGGTAT-3'
Protein context (NP_001273506.1, residues 226-246): AANSSRSTTP[Arg236Lys]GKDHVCFAEN

ClinVar aggregate classification (germline): Uncertain significance (1 of 4 stars; one submission).

Submission:

Labcorp Genetics (formerly Invitae), Labcorp
Classification: Uncertain significance. Last evaluated: 2022-05-20. Review status: criteria provided, single submitter. Criteria: Invitae Variant Classification Sherloc (09022015). Collection method: clinical testing. Allele origin: germline.
Comment: In summary, the available evidence is currently insufficient to determine the role of this variant in disease. Therefore, it has been classified as a Variant of Uncertain Significance. Variants that disrupt the consensus splice site are a relatively common cause of aberrant splicing (PMID: 17576681, 9536098). Algorithms developed to predict the effect of sequence changes on RNA splicing suggest that this variant may disrupt the consensus splice site. Algorithms developed to predict the effect of missense changes on protein structure and function output the following: SIFT: "Tolerated"; PolyPhen-2: "Benign"; Align-GVGD: "Class C0". The lysine amino acid residue is found in multiple mammalian species, which suggests that this missense change does not adversely affect protein function. This variant has not been reported in the literature in individuals affected with C2CD3-related conditions. This variant is not present in population databases (gnomAD no frequency). This sequence change replaces arginine, which is basic and polar, with lysine, which is basic and polar, at codon 236 of the C2CD3 protein (p.Arg236Lys). This variant also falls at the last nucleotide of exon 4, which is part of the consensus splice site for this exon.

Literature cited by the submitters: PubMed 17576681; PubMed 9536098.